The following is an entry in ClinVar:

ClinVar aggregate classification (germline): Likely benign. Review status: criteria provided, multiple submitters, no conflicts (2 of 4 stars). 2 submissions from 2 submitters: Likely benign (2). Last evaluated 2026-01-01.

Allele frequency attached by ClinVar (database versions not stated): 1000 Genomes Project 0.00040; 1000 Genomes Project 30x 0.00047; ExAC 0.00092; gnomAD 0.00105; ESP Exome Variant Server 0.00108; TOPMed 0.00127.
gnomAD v4.1: 2,484 of 1,613,886 alleles (0.15%); highest among the groups gnomAD compares: Non-Finnish European, 0.19%; 2 homozygotes.

Submissions (2):

CeGaT Center for Human Genetics Tuebingen
Classification: Likely benign. Last evaluated: 2026-01-01. Review status: criteria provided, single submitter. Criteria: CeGaT Center For Human Genetics Tuebingen Variant Classification Criteria Version 2. Collection method: clinical testing. Allele origin: germline. Affected: yes. Observed: 5 variant alleles.
Comment: ZFHX3: BS1

Blueprint Genetics
Classification: Likely benign. Last evaluated: 2024-11-08. Review status: criteria provided, single submitter. Criteria: ACMG Guidelines, 2015. Collection method: clinical testing. Allele origin: germline.

NM_006885.4(ZFHX3):c.5449G>T (p.Val1817Leu)

Genes: ZFHX3 (zinc finger homeobox 3; minus strand), ZFHX3-AS1 (ZFHX3 antisense RNA 1; plus strand). Cytogenetic location: 16q22.2.
Variant type: single nucleotide variant.
Coding change: c.5449G>T on transcript NM_006885.4 (MANE Select); coding-DNA position 5449, G replaced by T.
Protein change: p.Val1817Leu; replaces valine 1817 with leucine.
Molecular consequence: missense variant.
Genome position (GRCh38, 1-based): chr16:72,797,233, C>A on the plus strand (G>T on the coding strand, the complement: ZFHX3 is on the minus strand). VCF-style: chr16-72797233-C-A. GRCh37 (hg19) VCF-style: chr16-72831132-C-A.
Other names: c.2707G>T, p.Val903Leu (NM_001164766.2); c.5449G>T, p.Val1817Leu (NM_001386735.1); short protein forms V1817L, V903L.
Identifiers: ClinVar variation 2672652 (VCV002672652.24), dbSNP rs148334947, ClinGen allele CA8163595.